The following is an entry in ClinVar:

NM_005548.3(KARS1):c.1062G>A (p.Thr354=)

Gene: KARS1 (lysyl-tRNA synthetase 1; minus strand). Cytogenetic location: 16q23.1.
Variant type: single nucleotide variant.
Coding change: c.1062G>A on transcript NM_005548.3 (MANE Select); coding-DNA position 1062, G replaced by A.
Protein change: p.Thr354=; no amino-acid change (threonine 354 retained).
Molecular consequence: synonymous variant.
Genome position (GRCh38, 1-based): chr16:75,631,709, C>T on the plus strand (G>A on the coding strand, the complement: KARS1 is on the minus strand). VCF-style: chr16-75631709-C-T. GRCh37 (hg19) VCF-style: chr16-75665607-C-T.
Other names: c.1146G>A, p.Thr382= (NM_001130089.2); c.594G>A, p.Thr198= (NM_001378148.1).
Identifiers: ClinVar variation 3388438 (VCV003388438.16).

ClinVar aggregate classification (germline): Likely benign. Review status: criteria provided, multiple submitters, no conflicts (2 of 4 stars). 2 submissions from 2 submitters: Likely benign (2). Last evaluated 2024-10-08.

gnomAD v4.1: 7 of 1,614,162 alleles (0.00043%); highest among the groups gnomAD compares: African/African-American, 0.0027%; no homozygotes.

Submissions (2):

Labcorp Genetics (formerly Invitae), Labcorp
Classification: Likely benign. Last evaluated: 2024-10-08. Review status: criteria provided, single submitter. Criteria: Invitae Variant Classification Sherloc (09022015). Collection method: clinical testing. Allele origin: germline.

CeGaT Center for Human Genetics Tuebingen
Classification: Likely benign. Last evaluated: 2024-09-01. Review status: criteria provided, single submitter. Criteria: CeGaT Center For Human Genetics Tuebingen Variant Classification Criteria Version 2. Collection method: clinical testing. Allele origin: germline. Affected: yes. Observed: 1 variant allele.
Comment: KARS1: BP4, BP7